The following is an entry in ClinVar:

NM_006440.5(TXNRD2):c.80G>A (p.Arg27Gln)

Genes: TXNRD2 (thioredoxin reductase 2; minus strand), LOC130066960 (ATAC-STARR-seq lymphoblastoid silent region 13467; plus strand). Cytogenetic location: 22q11.21.
Variant type: single nucleotide variant.
Coding change: c.80G>A on transcript NM_006440.5 (MANE Select); coding-DNA position 80, G replaced by A.
Protein change: p.Arg27Gln; replaces arginine 27 with glutamine.
Molecular consequence: missense variant. On other transcripts: non-coding transcript variant (1).
Genome position (GRCh38, 1-based): chr22:19,941,724, C>T on the plus strand (G>A on the coding strand, the complement: TXNRD2 is on the minus strand). VCF-style: chr22-19941724-C-T. GRCh37 (hg19) VCF-style: chr22-19929247-C-T.
Other names: c.80G>A, p.Arg27Gln (NM_001352300.2, NM_001282512.3); short protein forms R27Q.
Identifiers: ClinVar variation 4842251 (VCV004842251.1).

ClinVar aggregate classification (germline): Uncertain significance (1 of 4 stars; one submission).

Conditions:
Cardiovascular phenotype. Identifiers: MedGen CN230736.

Submission:

Ambry Genetics
Classification: Uncertain significance for Cardiovascular phenotype. Last evaluated: 2025-12-19. Review status: criteria provided, single submitter. Criteria: Ambry Variant Classification Scheme 2023. Collection method: clinical testing. Allele origin: germline.
Comment: The p.R27Q variant (also known as c.80G>A), located in coding exon 1 of the TXNRD2 gene, results from a G to A substitution at nucleotide position 80. The arginine at codon 27 is replaced by glutamine, an amino acid with highly similar properties. This amino acid position is conserved. In addition, this alteration is predicted to be tolerated by in silico analysis. Based on the available evidence, the clinical significance of this variant remains unclear.